The following is an entry in ClinVar:

ClinVar aggregate classification (germline): Uncertain significance (1 of 4 stars; one submission).

Submission:

Labcorp Genetics (formerly Invitae), Labcorp
Classification: Uncertain significance. Last evaluated: 2023-01-12. Review status: criteria provided, single submitter. Criteria: Invitae Variant Classification Sherloc (09022015). Collection method: clinical testing. Allele origin: germline.
Comment: This variant is not present in population databases (gnomAD no frequency). This sequence change replaces leucine, which is neutral and non-polar, with proline, which is neutral and non-polar, at codon 407 of the MTTP protein (p.Leu407Pro). This variant has not been reported in the literature in individuals affected with MTTP-related conditions. In summary, the available evidence is currently insufficient to determine the role of this variant in disease. Therefore, it has been classified as a Variant of Uncertain Significance. Advanced modeling of protein sequence and biophysical properties (such as structural, functional, and spatial information, amino acid conservation, physicochemical variation, residue mobility, and thermodynamic stability) performed at Invitae indicates that this missense variant is expected to disrupt MTTP protein function.

NM_001386140.1(MTTP):c.1220T>C (p.Leu407Pro)

Gene: MTTP (microsomal triglyceride transfer protein; plus strand). Cytogenetic location: 4q23.
Variant type: single nucleotide variant.
Coding change: c.1220T>C on transcript NM_001386140.1 (MANE Select); coding-DNA position 1220, T replaced by C.
Protein change: p.Leu407Pro; replaces leucine 407 with proline.
Molecular consequence: missense variant.
Genome position (GRCh38, 1-based): chr4:99,600,717, T>C. VCF-style: chr4-99600717-T-C. GRCh37 (hg19) VCF-style: chr4-100521874-T-C.
Other names: c.1220T>C, p.Leu407Pro (NM_000253.4); c.971T>C, p.Leu324Pro (NM_001300785.2); short protein forms L324P, L407P.
Identifiers: ClinVar variation 2827505 (VCV002827505.1), dbSNP rs2476124562, ClinGen allele CA357508649.